The following is an entry in ClinVar:

ClinVar aggregate classification (germline): Uncertain significance (1 of 4 stars; one submission).

Conditions:
Hereditary cancer-predisposing syndrome. Also called: Neoplastic Syndromes, Hereditary; Tumor predisposition; Hereditary Cancer Syndrome; Hereditary neoplastic syndrome. Identifiers: Orphanet 140162, MedGen C0027672, MeSH D009386, MONDO:0015356.

Submission:

Ambry Genetics
Classification: Uncertain significance for Hereditary cancer-predisposing syndrome. Last evaluated: 2016-07-11. Review status: criteria provided, single submitter. Criteria: Ambry Variant Classification Scheme 2023. Collection method: clinical testing. Allele origin: germline.
Comment: The p.K149N variant (also known as c.447G>T), located in coding exon 4 of the PALB2 gene, results from a G to T substitution at nucleotide position 447. The lysine at codon 149 is replaced by asparagine, an amino acid with similar properties. This variant was not reported in population based cohorts in the following databases: Database of Single Nucleotide Polymorphisms (dbSNP), NHLBI Exome Sequencing Project (ESP), and 1000 Genomes Project. In the ESP, this variant was not observed in 6497 samples (12994 alleles) with coverage at this position. To date, this alteration has been detected with an allele frequency of approximately 0.0004% (greater than 225000 alleles tested) in our clinical cohort. This amino acid position is not well conserved in available vertebrate species. In addition, this alteration is predicted to be tolerated by in silico analysis. Since supporting evidence is limited at this time, the clinical significance of this alteration remains unclear.

NM_024675.4(PALB2):c.447G>T (p.Lys149Asn)

Gene: PALB2 (partner and localizer of BRCA2; minus strand). Cytogenetic location: 16p12.2.
Variant type: single nucleotide variant.
Coding change: c.447G>T on transcript NM_024675.4 (MANE Select); coding-DNA position 447, G replaced by T.
Protein change: p.Lys149Asn; replaces lysine 149 with asparagine.
Molecular consequence: missense variant.
Genome position (GRCh38, 1-based): chr16:23,636,099, C>A on the plus strand (G>T on the coding strand, the complement: PALB2 is on the minus strand). VCF-style: chr16-23636099-C-A. GRCh37 (hg19) VCF-style: chr16-23647420-C-A.
Other names: short protein forms K149N.
Identifiers: ClinVar variation 484193 (VCV000484193.5), dbSNP rs1555461793, ClinGen allele CA395137235.